The following is an entry in ClinVar:

NM_080473.5(GATA5):c.94A>G (p.Met32Val)

Gene: GATA5 (GATA binding protein 5; minus strand). Cytogenetic location: 20q13.33.
Variant type: single nucleotide variant.
Coding change: c.94A>G on transcript NM_080473.5 (MANE Select); coding-DNA position 94, A replaced by G.
Protein change: p.Met32Val; replaces methionine 32 with valine.
Molecular consequence: missense variant.
Genome position (GRCh38, 1-based): chr20:62,475,428, T>C on the plus strand (A>G on the coding strand, the complement: GATA5 is on the minus strand). VCF-style: chr20-62475428-T-C. GRCh37 (hg19) VCF-style: chr20-61050484-T-C.
Other names: short protein forms M32V.
Identifiers: ClinVar variation 2719227 (VCV002719227.3), dbSNP rs1236049203, ClinGen allele CA409557894.
Genomic context (GRCh38, chr20:62,475,428, plus strand): 5'-TCGGCTCACACCCGGACAGGTAGGACAGCATCGAGGGGACGCGCGCCGGCGGCACAAACA[T>C]CGGAGAGCCGGCGCCCGGAGCGTGCAGGAAGGAGCCCGAGTCGGCGTAGGCGGCCTGGCG-3'
Protein context (NP_536721.1, residues 22-42): FLHAPGAGSP[Met32Val]FVPPARVPSM

ClinVar aggregate classification (germline): Uncertain significance (1 of 4 stars; one submission).

Allele frequency attached by ClinVar (database versions not stated): TOPMed 0.00001; gnomAD 0.00003.

Submission:

Labcorp Genetics (formerly Invitae), Labcorp
Classification: Uncertain significance. Last evaluated: 2023-08-02. Review status: criteria provided, single submitter. Criteria: Invitae Variant Classification Sherloc (09022015). Collection method: clinical testing. Allele origin: germline.
Comment: In summary, the available evidence is currently insufficient to determine the role of this variant in disease. Therefore, it has been classified as a Variant of Uncertain Significance. Algorithms developed to predict the effect of missense changes on protein structure and function output the following: SIFT: "Not Available"; PolyPhen-2: "Benign"; Align-GVGD: "Not Available". The valine amino acid residue is found in multiple mammalian species, which suggests that this missense change does not adversely affect protein function. This variant has not been reported in the literature in individuals affected with GATA5-related conditions. This variant is present in population databases (no rsID available, gnomAD 0.02%). This sequence change replaces methionine, which is neutral and non-polar, with valine, which is neutral and non-polar, at codon 32 of the GATA5 protein (p.Met32Val).